The following is an entry in ClinVar:

NM_000032.5(ALAS2):c.282A>G (p.Glu94=)

Genes: ALAS2 (5'-aminolevulinate synthase 2; minus strand), LOC108663984 (ALAS2 intron 1 and 3 erythroid regulatory elements; plus strand). Cytogenetic location: Xp11.21.
Variant type: single nucleotide variant.
Coding change: c.282A>G on transcript NM_000032.5 (MANE Select); coding-DNA position 282, A replaced by G.
Protein change: p.Glu94=; no amino-acid change (glutamic acid 94 retained).
Molecular consequence: synonymous variant.
Genome position (GRCh38, 1-based): chrX:55,024,740, T>C on the plus strand (A>G on the coding strand, the complement: ALAS2 is on the minus strand). VCF-style: chrX-55024740-T-C. GRCh37 (hg19) VCF-style: chrX-55051173-T-C.
Other names: p.E94E:GAA>GAG; c.282A>G, p.Glu94= (LRG_1163t1, NM_001037967.4); c.354A>G, p.Glu118= (NM_001037968.4).
Identifiers: ClinVar variation 136358 (VCV000136358.13), dbSNP rs150313977, ClinGen allele CA289384.

ClinVar aggregate classification (germline): Benign. Review status: criteria provided, multiple submitters, no conflicts (2 of 4 stars). 4 submissions from 4 submitters: Benign (4). Last evaluated 2026-02-03.

Conditions:
X-linked sideroblastic anemia 1. Also called: X-linked pyridoxine-refractory sideroblastic anemia; ANEMIA, SIDEROBLASTIC, 1, PYRIDOXINE REFRACTORY; Anemia, hereditary sideroblastic 1, pyridoxine refractory; Erythroid 5-aminolevulinate synthase deficiency; X chromosome-linked sideroblastic anemia; Anemia, sideroblastic, 1. Identifiers: Orphanet 75563, MedGen C4551511, MONDO:0020721, OMIM 300751. Disease mechanism: loss of function.

Allele frequency attached by ClinVar (database versions not stated): gnomAD exomes 0.00075 and 0.00226; ExAC 0.00292; gnomAD 0.00780 and 0.00815; TOPMed 0.00876; ESP Exome Variant Server 0.00985; 1000 Genomes Project 0.01060; 1000 Genomes Project 30x 0.01082.
gnomAD v4.1: 1,747 of 1,210,285 alleles (0.14%); highest among the groups gnomAD compares: African/African-American, 2.5%; 16 homozygotes.

Submissions (4):

Labcorp Genetics (formerly Invitae), Labcorp
Classification: Benign. Last evaluated: 2026-02-03. Review status: criteria provided, single submitter. Criteria: Invitae Variant Classification Sherloc (09022015). Collection method: clinical testing. Allele origin: germline.

Illumina Laboratory Services, Illumina
Classification: Benign for X-linked sideroblastic anemia 1. Last evaluated: 2018-01-13. Review status: criteria provided, single submitter. Criteria: ICSL Variant Classification Criteria 13 December 2019. Collection method: clinical testing. Allele origin: germline.
Comment: This variant was observed in the ICSL laboratory as part of a predisposition screen in an ostensibly healthy population. It had not been previously curated by ICSL or reported in the Human Gene Mutation Database (HGMD: prior to June 1st, 2018), and was therefore a candidate for classification through an automated scoring system. Utilizing variant allele frequency, disease prevalence and penetrance estimates, and inheritance mode, an automated score was calculated to assess if this variant is too frequent to cause the disease. Based on the score and internal cut-off values, a variant classified as benign is not then subjected to further curation. The score for this variant resulted in a classification of benign for this disease.

GeneDx
Classification: Benign. Last evaluated: 2014-01-18. Review status: criteria provided, single submitter. Criteria: GeneDx Variant Classification (06012015). Collection method: clinical testing. Allele origin: germline. Affected: yes.
Comment: This variant is considered likely benign or benign based on one or more of the following criteria: it is a conservative change, it occurs at a poorly conserved position in the protein, it is predicted to be benign by multiple in silico algorithms, and/or has population frequency not consistent with disease.

Breakthrough Genomics
Classification: Benign. Review status: criteria provided, single submitter. Criteria: ACMG Guidelines, 2015. Collection method: not provided. Allele origin: germline. Inheritance: X-linked inheritance. Affected: yes.